The following is an entry in ClinVar:

ClinVar aggregate classification (germline): Likely pathogenic. Review status: criteria provided, multiple submitters, no conflicts (2 of 4 stars). 2 submissions from 2 submitters: Likely pathogenic (2). Last evaluated 2025-12-18.

Conditions:
Inborn genetic diseases. Identifiers: MedGen C0950123, MeSH D030342.

Allele frequency attached by ClinVar (database versions not stated): gnomAD 0.00001.
gnomAD v4.1: 1 of 1,613,690 alleles (0.000062%); highest among the groups gnomAD compares: African/African-American, 0.0013%; no homozygotes.

Submissions (2):

Ambry Genetics
Classification: Likely pathogenic for Inborn genetic diseases. Last evaluated: 2025-12-18. Review status: criteria provided, single submitter. Criteria: Ambry Variant Classification Scheme 2023. Collection method: clinical testing. Allele origin: germline.
Comment: The c.1337-2A>G intronic variant consists of an A to G substitution two nucleotide(s) before exon 9 (coding exon 9) of the TSPEAR gene. Alterations that disrupt the canonical splice site are expected to cause aberrant splicing, resulting in an abnormal protein or a transcript that is subject to nonsense-mediated mRNA decay. Based on data from gnomAD, the G allele has an overall frequency of 0.003% (1/31340) total alleles studied. The highest observed frequency was 0.012% (1/8686) of African alleles. This nucleotide position is highly conserved in available vertebrate species. In silico splice site analysis predicts that this alteration will weaken the native splice acceptor site and may result in the creation or strengthening of a novel splice acceptor site. Based on the available evidence, this alteration is classified as likely pathogenic.

Revvity Omics, Revvity
Classification: Likely pathogenic. Last evaluated: 2020-03-18. Review status: criteria provided, single submitter. Criteria: ACMG Guidelines, 2015. Collection method: clinical testing. Allele origin: germline.

NM_144991.3(TSPEAR):c.1337-2A>G

Gene: TSPEAR (thrombospondin type laminin G domain and EAR repeats; minus strand). Cytogenetic location: 21q22.3.
Variant type: single nucleotide variant.
Coding change: c.1337-2A>G on transcript NM_144991.3 (MANE Select); the canonical splice acceptor site of the intron before coding-DNA position 1337, A replaced by G.
Molecular consequence: splice acceptor variant.
Genome position (GRCh38, 1-based): chr21:44,522,114, T>C on the plus strand (A>G on the coding strand, the complement: TSPEAR is on the minus strand). VCF-style: chr21-44522114-T-C. GRCh37 (hg19) VCF-style: chr21-45941997-T-C.
Other names: c.1133-2A>G (NM_001272037.2).
Identifiers: ClinVar variation 1325244 (VCV001325244.5), dbSNP rs1555914369, ClinGen allele CA410437899.